The following is an entry in ClinVar:

ClinVar aggregate classification (germline): Likely pathogenic (1 of 4 stars; one submission).

Conditions:
Fabry disease. Also called: Fabry's disease; ALPHA-GALACTOSIDASE A DEFICIENCY; ANDERSON-FABRY DISEASE; CERAMIDE TRIHEXOSIDASE DEFICIENCY; GLA DEFICIENCY; HEREDITARY DYSTOPIC LIPIDOSIS. Identifiers: Orphanet 324, MedGen C0002986, MONDO:0010526, OMIM 301500, HP:0001071. Disease mechanism: Fabry disease is due to inactivating mutations in the X-linked GLA gene resulting in deficiency of the enzyme Alpha Galactosidase-A., loss of function.

Submission:

3billion
Classification: Likely pathogenic for Fabry disease. Last evaluated: 2024-03-15. Review status: criteria provided, single submitter. Criteria: ACMG Guidelines, 2015. Collection method: clinical testing. Allele origin: germline. Affected: yes.
Comment: The variant is not observed in the gnomAD v2.1.1 dataset. Predicted Consequence/Location: Missense variant Functional studies provide supporting evidence of the variant having a damaging effect on the gene or gene product (PMID: 26415523). In silico tool predictions suggest damaging effect of the variant on gene or gene product [REVEL: 0.68 (>=0.6, sensitivity 0.68 and specificity 0.92); 3Cnet: 0.95 (>=0.6, sensitivity 0.72 and precision 0.9)]. Different nucleotide change resulting in same amino acid change has been previously reported to be associated with GLA-related disorder(ClinVar ID: VCV000217388 /PMID: 26415523 /3billion dataset).Different missense changes at the same codon (p.Met187Arg, p.Met187Thr, p.Met187Val) have been reported as pathogenic/likely pathogenic with strong evidence (ClinVar ID: VCV000222310, VCV001324466 /PMID: 10916280, 16595074, 24679964 /3billion dataset). Therefore, this variant is classified as Likely pathogenic according to the recommendation of ACMG/AMP guideline.

Literature cited by the submitters: PubMed 26415523; PubMed 10916280.

NM_000169.3(GLA):c.561G>T (p.Met187Ile)

Genes: GLA (galactosidase alpha; minus strand), RPL36A-HNRNPH2 (RPL36A-HNRNPH2 readthrough; plus strand). Cytogenetic location: Xq22.1.
Variant type: single nucleotide variant.
Coding change: c.561G>T on transcript NM_000169.3 (MANE Select); coding-DNA position 561, G replaced by T.
Protein change: p.Met187Ile; replaces methionine 187 with isoleucine.
Molecular consequence: missense variant. On other transcripts: non-coding transcript variant (2), intron variant (2).
Genome position (GRCh38, 1-based): chrX:101,400,744, C>A on the plus strand (G>T on the coding strand, the complement: GLA is on the minus strand). VCF-style: chrX-101400744-C-A. GRCh37 (hg19) VCF-style: chrX-100655732-C-A.
Other names: c.684G>T, p.Met228Ile (NM_001406747.1); c.561G>T, p.Met187Ile (NM_001406748.1); c.300+5287C>A (NM_001199973.2); c.177+8922C>A (NM_001199974.2); short protein forms M187I, M228I.
Identifiers: ClinVar variation 3776043 (VCV003776043.1).